The following is an entry in ClinVar:

ClinVar aggregate classification (germline): Uncertain significance. Review status: criteria provided, multiple submitters, no conflicts (2 of 4 stars). 3 submissions from 3 submitters: Uncertain significance (3). Last evaluated 2024-05-18.

Conditions:
Neutral 1 amino acid transport defect (HND). Also called: HARTNUP DISORDER; Hartnup disease. Identifiers: Orphanet 2116, MedGen C0018609, MONDO:0009324, OMIM 234500.

Allele frequency attached by ClinVar (database versions not stated): ExAC 0.00007; ESP Exome Variant Server 0.00008; 1000 Genomes Project 30x 0.00016; 1000 Genomes Project 0.00020.
gnomAD v4.1: 82 of 1,610,954 alleles (0.0051%); highest among the groups gnomAD compares: Middle Eastern, 0.05%; no homozygotes.

Submissions (3):

Fulgent Genetics
Classification: Uncertain significance for Neutral 1 amino acid transport defect. Last evaluated: 2024-05-18. Review status: criteria provided, single submitter. Criteria: ACMG Guidelines, 2015. Collection method: clinical testing. Allele origin: germline.

Labcorp Genetics (formerly Invitae), Labcorp
Classification: Uncertain significance. Last evaluated: 2021-08-04. Review status: criteria provided, single submitter. Criteria: Invitae Variant Classification Sherloc (09022015). Collection method: clinical testing. Allele origin: germline.
Comment: This variant has not been reported in the literature in individuals affected with SLC6A19-related conditions. In summary, the available evidence is currently insufficient to determine the role of this variant in disease. Therefore, it has been classified as a Variant of Uncertain Significance. Algorithms developed to predict the effect of missense changes on protein structure and function are either unavailable or do not agree on the potential impact of this missense change (SIFT: "Deleterious"; PolyPhen-2: "Probably Damaging"; Align-GVGD: "Class C0"). This variant is present in population databases (rs202220597, ExAC 0.02%). This sequence change replaces threonine with methionine at codon 243 of the SLC6A19 protein (p.Thr243Met). The threonine residue is moderately conserved and there is a moderate physicochemical difference between threonine and methionine.

Department of Pathology and Laboratory Medicine, Sinai Health System
Classification: Uncertain significance for Neutral 1 amino acid transport defect. Last evaluated: 2021-07-30. Review status: criteria provided, single submitter. Criteria: ACMG Guidelines, 2015. Collection method: research. Allele origin: germline.

NM_001003841.3(SLC6A19):c.728C>T (p.Thr243Met)

Gene: SLC6A19 (solute carrier family 6 member 19; plus strand). Cytogenetic location: 5p15.33.
Variant type: single nucleotide variant.
Coding change: c.728C>T on transcript NM_001003841.3 (MANE Select); coding-DNA position 728, C replaced by T.
Protein change: p.Thr243Met; replaces threonine 243 with methionine.
Molecular consequence: missense variant.
Genome position (GRCh38, 1-based): chr5:1,213,527, C>T. VCF-style: chr5-1213527-C-T. GRCh37 (hg19) VCF-style: chr5-1213642-C-T.
Other names: short protein forms T243M.
Identifiers: ClinVar variation 1391244 (VCV001391244.10), dbSNP rs202220597, ClinGen allele CA3182848.